The following is an entry in ClinVar:

ClinVar aggregate classification (germline): Uncertain significance (1 of 4 stars; one submission).

Conditions:
Cardiovascular phenotype. Identifiers: MedGen CN230736.

Allele frequency attached by ClinVar (database versions not stated): TOPMed 0.00002.
gnomAD v4.1: 3 of 1,613,762 alleles (0.00019%); highest among the groups gnomAD compares: East Asian, 0.0045%; no homozygotes.

Submission:

Ambry Genetics
Classification: Uncertain significance for Cardiovascular phenotype. Last evaluated: 2020-02-24. Review status: criteria provided, single submitter. Criteria: Ambry Variant Classification Scheme 2023. Collection method: clinical testing. Allele origin: germline.
Comment: The p.V20018I variant (also known as c.60052G>A), located in coding exon 155 of the TTN gene, results from a G to A substitution at nucleotide position 60052. The valine at codon 20018 is replaced by isoleucine, an amino acid with highly similar properties. This amino acid position is not well conserved in available vertebrate species. In addition, this alteration is predicted to be tolerated by in silico analysis. Since supporting evidence is limited at this time, the clinical significance of this alteration remains unclear.

NM_001267550.2(TTN):c.87247G>A (p.Val29083Ile)

Genes: TTN (titin; minus strand), TTN-AS1 (TTN antisense RNA 1; plus strand). Cytogenetic location: 2q31.2.
Variant type: single nucleotide variant.
Coding change: c.87247G>A on transcript NM_001267550.2 (MANE Select); coding-DNA position 87247, G replaced by A.
Protein change: p.Val29083Ile; replaces valine 29083 with isoleucine.
Molecular consequence: missense variant.
Genome position (GRCh38, 1-based): chr2:178,558,107, C>T on the plus strand (G>A on the coding strand, the complement: TTN is on the minus strand). VCF-style: chr2-178558107-C-T. GRCh37 (hg19) VCF-style: chr2-179422834-C-T.
Other names: c.82324G>A, p.Val27442Ile (NM_001256850.1); c.60052G>A, p.Val20018Ile (NM_003319.4); c.79543G>A, p.Val26515Ile (NM_133378.4); c.60427G>A, p.Val20143Ile (NM_133432.3); c.60628G>A, p.Val20210Ile (NM_133437.4); short protein forms V27442I, V20143I, V26515I, V20210I, V20018I, V29083I.
Identifiers: ClinVar variation 1751041 (VCV001751041.2), dbSNP rs139099170, ClinGen allele CA1988343.
Genomic context (GRCh38, chr2:178,558,107, plus strand): 5'-TGATGGTCAGGTTCTCAGCAGTAATTTCGGTATTAAATCTCATGGTTGCCTTAAGGGGGA[C>T]ACCATCTCTTGATAAGGTCACTTTGGGAAGTGGTTTTCCAGAGATTGGAATGTCAACTTT-3'
Protein context (NP_001254479.2, residues 29073-29093): LPKVTLSRDG[Val29083Ile]PLKATMRFNT